The following is an entry in ClinVar:

ClinVar aggregate classification (germline): Uncertain significance. Review status: criteria provided, multiple submitters, no conflicts (2 of 4 stars). 2 submissions from 2 submitters: Uncertain significance (2). Last evaluated 2024-05-20.

Conditions:
Cardiovascular phenotype. Identifiers: MedGen CN230736.
Long QT syndrome (LQTS). Identifiers: MedGen C0023976, MeSH D008133, MONDO:0002442. Disease mechanism: loss of function. Inheritance: Various modes of inheritance.

Allele frequency attached by ClinVar (database versions not stated): gnomAD exomes 0.00001 and below 0.00001; TOPMed 0.00001; gnomAD 0.00001.
gnomAD v4.1: 13 of 1,570,528 alleles (0.00083%); highest among the groups gnomAD compares: Non-Finnish European, 0.001%; no homozygotes.

Submissions (2):

Ambry Genetics
Classification: Uncertain significance for Cardiovascular phenotype. Last evaluated: 2024-05-20. Review status: criteria provided, single submitter. Criteria: Ambry Variant Classification Scheme 2023. Collection method: clinical testing. Allele origin: germline.

Labcorp Genetics (formerly Invitae), Labcorp
Classification: Uncertain significance for Long QT syndrome. Last evaluated: 2018-08-20. Review status: criteria provided, single submitter. Criteria: Invitae Variant Classification Sherloc (09022015). Collection method: clinical testing. Allele origin: germline.
Comment: In summary, the available evidence is currently insufficient to determine the role of this variant in disease. Therefore, it has been classified as a Variant of Uncertain Significance. This sequence change replaces glutamic acid with glutamine at codon 2645 of the AKAP9 protein (p.Glu2645Gln). The glutamic acid residue is moderately conserved and there is a small physicochemical difference between glutamic acid and glutamine. This variant is not present in population databases (ExAC no frequency). This variant has not been reported in the literature in individuals with AKAP9-related disease. Algorithms developed to predict the effect of missense changes on protein structure and function are either unavailable or do not agree on the potential impact of this missense change (SIFT: "Tolerated"; PolyPhen-2: "Probably Damaging"; Align-GVGD: "Class C0").

NM_005751.5(AKAP9):c.7933G>C (p.Glu2645Gln)

Gene: AKAP9 (A-kinase anchoring protein 9; plus strand). Cytogenetic location: 7q21.2.
Variant type: single nucleotide variant.
Coding change: c.7933G>C on transcript NM_005751.5 (MANE Select); coding-DNA position 7933, G replaced by C.
Protein change: p.Glu2645Gln; replaces glutamic acid 2645 with glutamine.
Molecular consequence: missense variant.
Genome position (GRCh38, 1-based): chr7:92,080,066, G>C. VCF-style: chr7-92080066-G-C. GRCh37 (hg19) VCF-style: chr7-91709380-G-C.
Other names: c.2578G>C, p.Glu860Gln (NM_001379277.1); c.7909G>C, p.Glu2637Gln (NM_147185.3); short protein forms E2637Q, E2645Q, E860Q.
Identifiers: ClinVar variation 654541 (VCV000654541.11), dbSNP rs1407994937, ClinGen allele CA368136853.